The following is an entry in ClinVar:

ClinVar aggregate classification (germline): Likely benign (1 of 4 stars; one submission).

Submission:

CeGaT Center for Human Genetics Tuebingen
Classification: Likely benign. Last evaluated: 2022-05-01. Review status: criteria provided, single submitter. Criteria: CeGaT Center For Human Genetics Tuebingen Variant Classification Criteria Version 2. Collection method: clinical testing. Allele origin: germline. Affected: yes. Observed: 1 variant allele.
Comment: TMEM67: PM2:Supporting, BP4, BP7

NM_153704.6(TMEM67):c.2955C>T (p.Ser985=)

Gene: TMEM67 (transmembrane protein 67; plus strand). Cytogenetic location: 8q22.1.
Variant type: single nucleotide variant.
Coding change: c.2955C>T on transcript NM_153704.6 (MANE Select); coding-DNA position 2955, C replaced by T.
Protein change: p.Ser985=; no amino-acid change (serine 985 retained).
Molecular consequence: synonymous variant. On other transcripts: non-coding transcript variant (1).
Genome position (GRCh38, 1-based): chr8:93,816,419, C>T. VCF-style: chr8-93816419-C-T. GRCh37 (hg19) VCF-style: chr8-94828647-C-T.
Other names: c.2712C>T, p.Ser904= (NM_001142301.1).
Identifiers: ClinVar variation 2658691 (VCV002658691.24), dbSNP rs2536971631, ClinGen allele CA461868881.
Genomic context (GRCh38, chr8:93,816,419, plus strand): 5'-TTTAATTTTCCAGATTTTTAGATATATCCGTAATACAGTAGGACAAAAGAATTTGGCATC[C>T]AAAACATTGGTGGATCAAAGATTTTTGATTTAACTTCCTGAATAAATAACTTAAAGACTC-3'
Protein context (NP_714915.3, residues 975-995): RNTVGQKNLA[Ser985=]KTLVDQRFLI